The following is an entry in ClinVar:

ClinVar aggregate classification (germline): Pathogenic/Likely pathogenic. Review status: criteria provided, multiple submitters, no conflicts (2 of 4 stars). 10 submissions from 10 submitters: Pathogenic (7); Likely pathogenic (2). 1 of the submissions does not count toward it. Last evaluated 2026-08-06.

Conditions:
ACP5-related disorder. Also called: ACP5-related condition.
Inborn genetic diseases. Identifiers: MedGen C0950123, MeSH D030342.
Spondyloenchondrodysplasia with immune dysregulation (SPENCDI). Also called: ROIFMAN IMMUNOSKELETAL SYNDROME; SPONDYLOENCHONDRODYSPLASIA WITH OR WITHOUT IMMUNE DYSREGULATION; COMBINED IMMUNODEFICIENCY WITH AUTOIMMUNITY AND SPONDYLOMETAPHYSEAL DYSPLASIA. Identifiers: Orphanet 1855, MedGen C1842763, MONDO:0011939, OMIM 607944.

Allele frequency attached by ClinVar (database versions not stated): TOPMed 0.00003; gnomAD 0.00003; gnomAD exomes 0.00003; ExAC 0.00003.

Submissions (10):

OLLIN Analises Genomicas, OLLIN
Classification: Pathogenic. Last evaluated: 2026-08-06. Review status: criteria provided, single submitter. Criteria: ACMG Guidelines 2015 PMID 25741868. Collection method: clinical testing. Allele origin: germline.
Comment: This missense variant, located in exon 3 (of 5), has been reported in ClinVar (accession VCV000029833.17), in gnomAD with an allele frequency of 0.0027%, and in the scientific literature, in compound heterozygosity, in individuals with ACP5 related disorders (PMID: 21217752, 26951490). In silico analysis predicts that this variant has a deleterious effect. According to the currently available evidence, this variant has been classified as pathogenic (PM2_P, PM3_VS, PP3_M).

Dasa
Classification: Likely pathogenic. Last evaluated: 2026-04-24. Review status: criteria provided, single submitter. Criteria: DASA Assertion Criteria. Collection method: clinical testing. Allele origin: germline.
Comment: NM_001611.5(ACP5):c.325G>A (p.Gly109Arg) is a missense variant that results in the substitution of glycine with arginine. This variant has been recurrently observed in individuals with ACP5-related disorders (PMID: 21217752; PMID: 26951490). Also, this variant is rare in population databases. Computational evidence supports a deleterious effect. Based on the currently available evidence, this variant is classified as likely pathogenic.

Labcorp Genetics (formerly Invitae), Labcorp
Classification: Pathogenic for Spondyloenchondrodysplasia with immune dysregulation. Last evaluated: 2025-07-27. Review status: criteria provided, single submitter. Criteria: Invitae Variant Classification Sherloc (09022015). Collection method: clinical testing. Allele origin: germline.
Comment: This sequence change replaces glycine, which is neutral and non-polar, with arginine, which is basic and polar, at codon 109 of the ACP5 protein (p.Gly109Arg). This variant is present in population databases (rs781050795, gnomAD 0.01%). This missense change has been observed in individual(s) with clinical features of spondyloenchondrodysplasia with immune dysregulation (PMID: 21217752, 26951490; internal data). In at least one individual the data is consistent with being in trans (on the opposite chromosome) from a pathogenic variant. ClinVar contains an entry for this variant (Variation ID: 29833). Invitae Evidence Modeling of protein sequence and biophysical properties (such as structural, functional, and spatial information, amino acid conservation, physicochemical variation, residue mobility, and thermodynamic stability) indicates that this missense variant is expected to disrupt ACP5 protein function with a positive predictive value of 95%. For these reasons, this variant has been classified as Pathogenic.

Women's Health and Genetics/Laboratory Corporation of America, LabCorp
Classification: Pathogenic for Spondyloenchondrodysplasia with immune dysregulation. Last evaluated: 2024-12-18. Review status: criteria provided, single submitter. Criteria: LabCorp Variant Classification Summary - May 2015. Collection method: clinical testing. Allele origin: germline.
Comment: Variant summary: ACP5 c.325G>A (p.Gly109Arg) results in a non-conservative amino acid change located in the Calcineurin-like phosphoesterase domain, ApaH type domain (IPR004843) of the encoded protein sequence. Five of five in-silico tools predict a damaging effect of the variant on protein function. The variant allele was found at a frequency of 3.2e-05 in 251488 control chromosomes. c.325G>A has been reported in multiple individuals affected with Spondyloenchondrodysplasia with immune dysregulation (e.g. Lausch_2011, Gernez_2023, Labcorp (formerly Invitae)). These data indicate that the variant is very likely to be associated with disease. The following publications have been ascertained in the context of this evaluation (PMID: 21217752, 38347954). ClinVar contains an entry for this variant (Variation ID: 29833). Based on the evidence outlined above, the variant was classified as pathogenic.

PreventionGenetics, part of Exact Sciences
Classification: Pathogenic for ACP5-related condition. Last evaluated: 2023-01-17. Review status: criteria provided, single submitter. Criteria: ACMG Guidelines, 2015. Collection method: clinical testing. Allele origin: germline.
Comment: The ACP5 c.325G>A variant is predicted to result in the amino acid substitution p.Gly109Arg. This variant has been reported along with another variant in ACP5 or in the homozygous state in individuals with spondyloenchondrodysplasia (SPENCD) (Lausch et al. 2011. PubMed ID: 21217752; Briggs et al. 2016. PubMed ID: 26951490). This variant is reported in 0.010% of alleles in individuals of East Asian descent in gnomAD and is interpreted as pathogenic/likely pathogenic in ClinVar. This variant is interpreted as pathogenic.

3billion
Classification: Likely pathogenic for Spondyloenchondrodysplasia with immune dysregulation. Last evaluated: 2022-09-01. Review status: criteria provided, single submitter. Criteria: ACMG Guidelines, 2015. Collection method: clinical testing. Allele origin: germline. Affected: yes. Observed: 1 heterozygote.
Comment: The variant is observed at an extremely low frequency in the gnomAD v2.1.1 dataset (total allele frequency: 0.003%). In silico tool predictions suggest damaging effect of the variant on gene or gene product (REVEL: 0.90; 3Cnet: 0.99). Same nucleotide change resulting in same amino acid change has been previously reported as pathogenic/likely pathogenic with strong evidence (ClinVar ID: VCV000029833). The variant has been reported to be in trans with a pathogenic variant as either compound heterozygous or homozygous in at least one similarly affected unrelated individual (PMID: 21217752). Therefore, this variant is classified as Likely pathogenic according to the recommendation of ACMG/AMP guideline.

Laboratorio de Genetica e Diagnostico Molecular, Hospital Israelita Albert Einstein
Classification: Pathogenic for Spondyloenchondrodysplasia with immune dysregulation. Last evaluated: 2022-08-26. Review status: criteria provided, single submitter. Criteria: ACMG Guidelines, 2015. Collection method: clinical testing. Allele origin: germline. Affected: yes. Observed: 1 variant allele.
Comment: ACMG classification criteria: PS4 strong, PM2 supporting, PM3 very strong, PP3 supporting

Ambry Genetics
Classification: Pathogenic for Inborn genetic diseases. Last evaluated: 2017-05-15. Review status: criteria provided, single submitter. Criteria: Ambry exome assertion method (8-5-2015). Collection method: clinical testing. Allele origin: germline. Affected: yes. Observed: 1 variant allele.

Juno Genomics, Hangzhou Juno Genomics, Inc
Classification: Pathogenic for Spondyloenchondrodysplasia with immune dysregulation. Review status: criteria provided, single submitter. Criteria: ACMG Guidelines, 2015. Collection method: clinical testing. Allele origin: germline.
Comment: Absent from controls (or at extremely low frequency if recessive) in Genome Aggregation Database.;Well-established in vitro or in vivo functional studies supportive of a damaging effect on the gene or gene product.;For recessive disorders, detected in trans with a pathogenic variant.

OMIM
Classification: Pathogenic for SPONDYLOENCHONDRODYSPLASIA WITH OR WITHOUT IMMUNE DYSREGULATION. Last evaluated: 2011-02-01. Review status: no assertion criteria provided. Collection method: literature only. Allele origin: germline. Not counted in ClinVar's aggregate classification.

Literature cited by the submitters: PubMed 21217752 (cited by 7 submitters); PubMed 26951490 (cited by 4 submitters); PubMed 38347954 (cited by Women's Health and Genetics/Laboratory Corporation of America, LabCorp); PubMed 13524805 (cited by OMIM); PubMed 2363422 (cited by OMIM); PubMed 27125509 (cited by OMIM).

NM_001611.5(ACP5):c.325G>A (p.Gly109Arg)

Gene: ACP5 (acid phosphatase 5, tartrate resistant; minus strand). Cytogenetic location: 19p13.2.
Variant type: single nucleotide variant.
Coding change: c.325G>A on transcript NM_001611.5 (MANE Select); coding-DNA position 325, G replaced by A.
Protein change: p.Gly109Arg; replaces glycine 109 with arginine.
Molecular consequence: missense variant.
Genome position (GRCh38, 1-based): chr19:11,576,780, C>T on the plus strand (G>A on the coding strand, the complement: ACP5 is on the minus strand). VCF-style: chr19-11576780-C-T. GRCh37 (hg19) VCF-style: chr19-11687595-C-T.
Other names: c.325G>A, p.Gly109Arg (LRG_1218t1, NM_001111034.3, NM_001111035.3 and 2 more transcripts); c.325G>A (NM_001111035.2); short protein forms G109R.
Identifiers: ClinVar variation 29833 (VCV000029833.20), dbSNP rs781050795, ClinGen allele CA9215447.